The following is an entry in ClinVar:

ClinVar aggregate classification (germline): Uncertain significance (1 of 4 stars; one submission).

Conditions:
Hereditary cancer-predisposing syndrome. Also called: Neoplastic Syndromes, Hereditary; Tumor predisposition; Hereditary neoplastic syndrome; Hereditary Cancer Syndrome. Identifiers: Orphanet 140162, MedGen C0027672, MeSH D009386, MONDO:0015356.

Submission:

Ambry Genetics
Classification: Uncertain significance for Hereditary cancer-predisposing syndrome. Last evaluated: 2024-01-07. Review status: criteria provided, single submitter. Criteria: Ambry Variant Classification Scheme 2023. Collection method: clinical testing. Allele origin: germline.
Comment: The p.V326L variant (also known as c.976G>T), located in coding exon 8 of the POT1 gene, results from a G to T substitution at nucleotide position 976. The valine at codon 326 is replaced by leucine, an amino acid with highly similar properties. This amino acid position is conserved. In addition, this alteration is predicted to be tolerated by in silico analysis. Since supporting evidence is limited at this time, the clinical significance of this alteration remains unclear.

NM_015450.3(POT1):c.976G>T (p.Val326Leu)

Gene: POT1 (protection of telomeres 1; minus strand). Cytogenetic location: 7q31.33.
Variant type: single nucleotide variant.
Coding change: c.976G>T on transcript NM_015450.3 (MANE Select); coding-DNA position 976, G replaced by T.
Protein change: p.Val326Leu; replaces valine 326 with leucine.
Molecular consequence: missense variant. On other transcripts: non-coding transcript variant (3).
Genome position (GRCh38, 1-based): chr7:124,846,972, C>A on the plus strand (G>T on the coding strand, the complement: POT1 is on the minus strand). VCF-style: chr7-124846972-C-A. GRCh37 (hg19) VCF-style: chr7-124487026-C-A.
Other names: c.583G>T, p.Val195Leu (NM_001042594.2); short protein forms V195L, V326L.
Identifiers: ClinVar variation 3226696 (VCV003226696.1), dbSNP rs1407472208, ClinGen allele CA369053774.